The following is an entry in ClinVar:

NM_001009944.3(PKD1):c.12609_12615del (p.Leu4204fs)

Gene: PKD1 (polycystin 1, transient receptor potential channel interacting; minus strand). Cytogenetic location: 16p13.3.
Variant type: Deletion.
Coding change: c.12609_12615del on transcript NM_001009944.3 (MANE Select); coding-DNA positions 12609 to 12615, 7 bases deleted (GCTGGGG; older notation c.12609_12615delGCTGGGG).
Protein change: p.Leu4204fs; shifts the reading frame from leucine 4204.
Molecular consequence: frameshift variant.
Genome position (GRCh38, 1-based): chr16:2,090,024-2,090,030, CCCCAGC deleted on the plus strand (GCTGGGG on the coding strand, the reverse complement: PKD1 is on the minus strand); deleting any 7 consecutive bases within chr16:2,090,024-2,090,031 gives the same sequence; the c. name uses the placement nearest the transcript's 3' end. VCF-style (leftmost placement, unchanged base first): chr16-2090023-TCCCCAGC-T. GRCh37 (hg19) VCF-style: chr16-2140024-TCCCCAGC-T.
Other names: c.12609_12615delGCTGGGG (NM_001009944.3); c.12606_12612del, p.Leu4203fs (NM_000296.4); short protein forms L4203fs, L4204fs.
Identifiers: ClinVar variation 4849131 (VCV004849131.1).

ClinVar aggregate classification (germline): Pathogenic (1 of 4 stars; one submission).

Conditions:
Polycystic kidney disease, adult type (PKD1). Also called: Polycystic Kidney Disease 1, Autosomal Dominant; Polycystic kidney disease 1; Polycystic kidney disease 1, severe; POLYCYSTIC KIDNEY DISEASE 1 WITH OR WITHOUT POLYCYSTIC LIVER DISEASE; POLYCYSTIC KIDNEY DISEASE, ADULT, TYPE I; Polycystic Kidney, Autosomal Dominant. Identifiers: MedGen C3149841, MONDO:0008263, OMIM 173900.

Submission:

Women's Health and Genetics/Laboratory Corporation of America, LabCorp
Classification: Pathogenic for Polycystic kidney disease, adult type. Last evaluated: 2026-04-23. Review status: criteria provided, single submitter. Criteria: LabCorp Variant Classification Summary - May 2015. Collection method: clinical testing. Allele origin: germline.
Comment: Variant summary: PKD1 c.12609_12615delGCTGGGG (p.Leu4204GlnfsX152) causes a frameshift which results in an extension of the protein. Downstream variants have been classified as pathogenic/likely pathogenic, providing evidence that the region altered by the variant is critical to protein function. The variant was absent in 241056 control chromosomes. To our knowledge, no occurrence of c.12609_12615delGCTGGGG in individuals affected with PKD1-related conditions and no experimental evidence demonstrating its impact on protein function have been reported. No submitters have cited clinical-significance assessments for this variant to ClinVar. Based on the evidence outlined above, the variant was classified as pathogenic.